The following is an entry in ClinVar:

NM_173354.5(SIK1):c.1927G>A (p.Gly643Ser)

Gene: SIK1 (salt inducible kinase 1; minus strand). Cytogenetic location: 21q22.3.
Variant type: single nucleotide variant.
Coding change: c.1927G>A on transcript NM_173354.5 (MANE Select); coding-DNA position 1927, G replaced by A.
Protein change: p.Gly643Ser; replaces glycine 643 with serine.
Molecular consequence: missense variant.
Genome position (GRCh38, 1-based): chr21:43,417,592, C>T on the plus strand (G>A on the coding strand, the complement: SIK1 is on the minus strand). VCF-style: chr21-43417592-C-T. GRCh37 (hg19) VCF-style: chr21-44837472-C-T.
Other names: short protein forms G643S.
Identifiers: ClinVar variation 949834 (VCV000949834.44), dbSNP rs201009426, ClinGen allele CA321324795.

ClinVar aggregate classification (germline): Conflicting classifications of pathogenicity. Review status: criteria provided, conflicting classifications (1 of 4 stars). 3 submissions from 3 submitters: Uncertain significance (1); Likely benign (2). Last evaluated 2025-11-03.

Conditions:
Inborn genetic diseases. Identifiers: MedGen C0950123, MeSH D030342.
Developmental and epileptic encephalopathy, 30 (DEE30). Also called: Epileptic encephalopathy, early infantile, 30. Identifiers: MedGen C4225360, MONDO:0014595, OMIM 616341.

Allele frequency attached by ClinVar (database versions not stated): ExAC 0.00002; gnomAD exomes 0.00002 and 0.00004; 1000 Genomes Project 0.00020.

Submissions (3):

Ambry Genetics
Classification: Likely benign for Inborn genetic diseases. Last evaluated: 2025-11-03. Review status: criteria provided, single submitter. Criteria: Ambry Variant Classification Scheme 2023. Collection method: clinical testing. Allele origin: germline.

Labcorp Genetics (formerly Invitae), Labcorp
Classification: Uncertain significance for Developmental and epileptic encephalopathy, 30. Last evaluated: 2025-05-07. Review status: criteria provided, single submitter. Criteria: Invitae Variant Classification Sherloc (09022015). Collection method: clinical testing. Allele origin: germline.
Comment: This sequence change replaces glycine, which is neutral and non-polar, with serine, which is neutral and polar, at codon 643 of the SIK1 protein (p.Gly643Ser). This variant is present in population databases (rs201009426, gnomAD 0.01%). This variant has not been reported in the literature in individuals affected with SIK1-related conditions. ClinVar contains an entry for this variant (Variation ID: 949834). Invitae Evidence Modeling of protein sequence and biophysical properties (such as structural, functional, and spatial information, amino acid conservation, physicochemical variation, residue mobility, and thermodynamic stability) indicates that this missense variant is not expected to disrupt SIK1 protein function with a negative predictive value of 95%. In summary, the available evidence is currently insufficient to determine the role of this variant in disease. Therefore, it has been classified as a Variant of Uncertain Significance.

CeGaT Center for Human Genetics Tuebingen
Classification: Likely benign. Last evaluated: 2020-07-01. Review status: criteria provided, single submitter. Criteria: CeGaT Center For Human Genetics Tuebingen Variant Classification Criteria Version 2. Collection method: clinical testing. Allele origin: germline. Affected: yes. Observed: 1 variant allele.